The following is an entry in ClinVar:

NM_006197.4(PCM1):c.905C>T (p.Ala302Val)

Gene: PCM1 (pericentriolar material 1; plus strand). Cytogenetic location: 8p22.
Variant type: single nucleotide variant.
Coding change: c.905C>T on transcript NM_006197.4 (MANE Select); coding-DNA position 905, C replaced by T.
Protein change: p.Ala302Val; replaces alanine 302 with valine.
Molecular consequence: missense variant. On other transcripts: non-coding transcript variant (1).
Genome position (GRCh38, 1-based): chr8:17,947,307, C>T. VCF-style: chr8-17947307-C-T. GRCh37 (hg19) VCF-style: chr8-17804816-C-T.
Other names: c.905C>T, p.Ala302Val (NM_001315507.2, NM_001315508.2, NM_001352634.2 and 18 more transcripts); c.1022C>T, p.Ala341Val (NM_001352632.2, NM_001352633.2, NM_001352636.2 and 7 more transcripts); short protein forms A302V, A341V.
Identifiers: ClinVar variation 3348996 (VCV003348996.1).

ClinVar aggregate classification (germline): Uncertain significance (0 of 4 stars; one submission).

Conditions:
PCM1-related disorder. Also called: PCM1-related condition.

Submission:

PreventionGenetics, part of Exact Sciences
Classification: Uncertain significance for PCM1-related condition. Last evaluated: 2024-03-08. Review status: no assertion criteria provided. Collection method: clinical testing. Allele origin: germline.
Comment: The PCM1 c.1022C>T variant is predicted to result in the amino acid substitution p.Ala341Val. To our knowledge, this variant has not been reported in the literature or in a large population database, indicating this variant is rare. At this time, the clinical significance of this variant is uncertain due to the absence of conclusive functional and genetic evidence.